The following is an entry in ClinVar:

ClinVar aggregate classification (germline): Uncertain significance (1 of 4 stars; one submission).

Conditions:
Deficiency of alpha-mannosidase (MANSA). Also called: Mannosidosis, alpha-, types I and II; Alpha-Mannosidosis; LYSOSOMAL ALPHA-D-MANNOSIDASE DEFICIENCY. Identifiers: Orphanet 61, MedGen C0024748, MONDO:0009561, OMIM 248500.

Submission:

Labcorp Genetics (formerly Invitae), Labcorp
Classification: Uncertain significance for Deficiency of alpha-mannosidase. Last evaluated: 2022-07-21. Review status: criteria provided, single submitter. Criteria: Invitae Variant Classification Sherloc (09022015). Collection method: clinical testing. Allele origin: germline.
Comment: This variant is not present in population databases (gnomAD no frequency). This sequence change replaces glutamine, which is neutral and polar, with proline, which is neutral and non-polar, at codon 98 of the MAN2B1 protein (p.Gln98Pro). This variant has not been reported in the literature in individuals affected with MAN2B1-related conditions. Algorithms developed to predict the effect of missense changes on protein structure and function (SIFT, PolyPhen-2, Align-GVGD) all suggest that this variant is likely to be disruptive. In summary, the available evidence is currently insufficient to determine the role of this variant in disease. Therefore, it has been classified as a Variant of Uncertain Significance.

NM_000528.4(MAN2B1):c.293A>C (p.Gln98Pro)

Gene: MAN2B1 (mannosidase alpha class 2B member 1; minus strand). Cytogenetic location: 19p13.13.
Variant type: single nucleotide variant.
Coding change: c.293A>C on transcript NM_000528.4 (MANE Select); coding-DNA position 293, A replaced by C.
Protein change: p.Gln98Pro; replaces glutamine 98 with proline.
Molecular consequence: missense variant.
Genome position (GRCh38, 1-based): chr19:12,665,495, T>G on the plus strand (A>C on the coding strand, the complement: MAN2B1 is on the minus strand). VCF-style: chr19-12665495-T-G. GRCh37 (hg19) VCF-style: chr19-12776309-T-G.
Other names: c.293A>C, p.Gln98Pro (NM_001173498.2); short protein forms Q98P.
Identifiers: ClinVar variation 1924902 (VCV001924902.5), dbSNP rs1055038086, ClinGen allele CA404257320.
Genomic context (GRCh38, chr19:12,665,495, plus strand): 5'-TAAATGAAGCGACGGGTGGGATCTGCCAGCAAGGCAGAGATGACCGAGTCCAGGATGTAC[T>G]GCACACCGGCGTGCTGGATGTCATTCTTGACTGTGGATAACAGGGATAAGGCTCTCAGGG-3'
Protein context (NP_000519.2, residues 88-108): IKNDIQHAGV[Gln98Pro]YILDSVISAL